The following is an entry in ClinVar:

NM_000965.5(RARB):c.696C>T (p.Ile232=)

Gene: RARB (retinoic acid receptor beta; plus strand). Cytogenetic location: 3p24.2.
Variant type: single nucleotide variant.
Coding change: c.696C>T on transcript NM_000965.5 (MANE Select); coding-DNA position 696, C replaced by T.
Protein change: p.Ile232=; no amino-acid change (isoleucine 232 retained).
Molecular consequence: synonymous variant. On other transcripts: non-coding transcript variant (2).
Genome position (GRCh38, 1-based): chr3:25,580,632, C>T. VCF-style: chr3-25580632-C-T. GRCh37 (hg19) VCF-style: chr3-25622123-C-T.
Other names: c.717C>T, p.Ile239= (NM_001290216.3); c.360C>T, p.Ile120= (NM_001290217.2, NM_001290276.2, NM_016152.4); c.549C>T, p.Ile183= (NM_001290266.2); c.696C>T, p.Ile232= (NM_001290277.1); c.567C>T, p.Ile189= (NM_001290300.2).
Identifiers: ClinVar variation 713568 (VCV000713568.5), dbSNP rs755865469, ClinGen allele CA2287769.

ClinVar aggregate classification (germline): Likely benign. Review status: criteria provided, single submitter (1 of 4 stars). 2 submissions from 2 submitters: Likely benign (1). 1 of the submissions does not count toward it. Last evaluated 2017-08-25.

Conditions:
RARB-related disorder. Also called: RARB-related condition.

Allele frequency attached by ClinVar (database versions not stated): gnomAD 0.00002; TOPMed 0.00002; gnomAD exomes 0.00004.
gnomAD v4.1: 21 of 1,613,130 alleles (0.0013%); highest among the groups gnomAD compares: Admixed American, 0.01%; no homozygotes.

Submissions (2):

Labcorp Genetics (formerly Invitae), Labcorp
Classification: Likely benign. Last evaluated: 2017-08-25. Review status: criteria provided, single submitter. Criteria: Invitae Variant Classification Sherloc (09022015). Collection method: clinical testing. Allele origin: germline.

PreventionGenetics, part of Exact Sciences
Classification: Likely benign for RARB-related condition. Last evaluated: 2024-02-12. Review status: no assertion criteria provided. Collection method: clinical testing. Allele origin: germline. Not counted in ClinVar's aggregate classification.
Comment: This variant is classified as likely benign based on ACMG/AMP sequence variant interpretation guidelines (Richards et al. 2015 PMID: 25741868, with internal and published modifications).